The following is an entry in ClinVar:

NM_172362.3(KCNH1):c.1579C>T (p.Gln527Ter)

Gene: KCNH1 (potassium voltage-gated channel subfamily H member 1; minus strand). Cytogenetic location: 1q32.2.
Variant type: single nucleotide variant.
Coding change: c.1579C>T on transcript NM_172362.3 (MANE Select); coding-DNA position 1579, C replaced by T.
Protein change: p.Gln527Ter; replaces glutamine 527 with a stop codon.
Molecular consequence: nonsense.
Genome position (GRCh38, 1-based): chr1:210,804,050, G>A on the plus strand (C>T on the coding strand, the complement: KCNH1 is on the minus strand). VCF-style: chr1-210804050-G-A. GRCh37 (hg19) VCF-style: chr1-210977392-G-A.
Other names: c.1498C>T, p.Gln500Ter (NM_002238.4); short protein forms Q500*, Q527*.
Identifiers: ClinVar variation 2134760 (VCV002134760.4), dbSNP rs2526826445, ClinGen allele CA344874326.

ClinVar aggregate classification (germline): Uncertain significance (1 of 4 stars; one submission).

Submission:

Labcorp Genetics (formerly Invitae), Labcorp
Classification: Uncertain significance. Last evaluated: 2022-06-29. Review status: criteria provided, single submitter. Criteria: Invitae Variant Classification Sherloc (09022015). Collection method: clinical testing. Allele origin: germline.
Comment: This sequence change creates a premature translational stop signal (p.Gln527*) in the KCNH1 gene. It is expected to result in an absent or disrupted protein product. However, the current clinical and genetic evidence is not sufficient to establish whether loss-of-function variants in KCNH1 cause disease. This variant is not present in population databases (gnomAD no frequency). This variant has not been reported in the literature in individuals affected with KCNH1-related conditions. In summary, the available evidence is currently insufficient to determine the role of this variant in disease. Therefore, it has been classified as a Variant of Uncertain Significance.